The following is an entry in ClinVar:

NM_006767.4(LZTR1):c.1394C>T (p.Ala465Val)

Gene: LZTR1 (leucine zipper like post translational regulator 1; plus strand). Cytogenetic location: 22q11.21.
Variant type: single nucleotide variant.
Coding change: c.1394C>T on transcript NM_006767.4 (MANE Select); coding-DNA position 1394, C replaced by T.
Protein change: p.Ala465Val; replaces alanine 465 with valine.
Molecular consequence: missense variant.
Genome position (GRCh38, 1-based): chr22:20,993,964, C>T. VCF-style: chr22-20993964-C-T. GRCh37 (hg19) VCF-style: chr22-21348253-C-T.
Other names: p.Ala465Val; short protein forms A465V.
Identifiers: ClinVar variation 623976 (VCV000623976.61), dbSNP rs753757778, ClinGen allele CA10118870.

ClinVar aggregate classification (germline): Conflicting classifications of pathogenicity. Review status: criteria provided, conflicting classifications (1 of 4 stars). 10 submissions from 10 submitters: Pathogenic (1); Likely pathogenic (2); Uncertain significance (7). Last evaluated 2026-02-04.

Conditions:
LZTR1-related schwannomatosis. Also called: Schwannomatosis-2, susceptibility to; Schwannomatosis 2. Identifiers: Orphanet 93921, MedGen C3810283, MONDO:0014299, OMIM 615670.
Noonan syndrome 2 (NS2). Identifiers: Orphanet 648, MedGen C1854469, MONDO:0011531, OMIM 605275.
Noonan syndrome 10 (NS10). Identifiers: Orphanet 648, MedGen C4225280, MONDO:0014693, OMIM 616564.
Hereditary cancer-predisposing syndrome. Also called: Hereditary Cancer Syndrome; Neoplastic Syndromes, Hereditary; Tumor predisposition; Hereditary neoplastic syndrome. Identifiers: Orphanet 140162, MedGen C0027672, MeSH D009386, MONDO:0015356.
Cardiovascular phenotype. Identifiers: MedGen CN230736.

Allele frequency attached by ClinVar (database versions not stated): TOPMed 0.00001; gnomAD 0.00004.
gnomAD v4.1: 28 of 1,612,530 alleles (0.0017%); highest among the groups gnomAD compares: South Asian, 0.0033%; no homozygotes.

Submissions (10):

Dasa
Classification: Likely pathogenic. Last evaluated: 2026-02-04. Review status: criteria provided, single submitter. Criteria: DASA Assertion Criteria. Collection method: clinical testing. Allele origin: germline.
Comment: NM_006767.4(LZTR1):c.1394C>T (p.Ala465Val) is a missense variant that results in the substitution of alanine with valine. Segregation data support an association with disease in the reported family/families (PMID: 32004086; PMID: 34958143; PMID: 32575496; PMID: 25335493; PMID: 29409008). This variant has been recurrently observed in individuals with LZTR1-related disorders (PMID: 34958143; PMID: 32004086). Also, this variant is rare in population databases. Based on the currently available evidence, this variant is classified as likely pathogenic.

Ambry Genetics
Classification: Likely pathogenic for Cardiovascular phenotype; Hereditary cancer-predisposing syndrome. Last evaluated: 2025-12-08. Review status: criteria provided, single submitter. Criteria: Ambry Variant Classification Scheme 2023. Collection method: clinical testing. Allele origin: germline.
Comment: The p.A465V variant (also known as c.1394C>T), located in coding exon 13 of the LZTR1 gene, results from a C to T substitution at nucleotide position 1394. The alanine at codon 465 is replaced by valine, an amino acid with similar properties. This variant was reported in individual(s) with features consistent with LZTR1-related schwannomatosis (Louvrier C et al. Neuro Oncol, 2018 Jun;20:917-929; external communication; Ambry internal data). This variant has been identified in the homozygous state and/or in conjunction with other LZTR1 variant(s) in individuals with features consistent with Noonan syndrome; in at least one instance, the variants were identified in trans (Jenkins J et al. Circ Genom Precis Med, 2020 04;13:e002690; Gabriel H et al. Prenat Diagn, 2022 Jun;42:845-851). This amino acid position is highly conserved in available vertebrate species. In addition, this alteration is predicted to be deleterious by in silico analysis. Loss-of-function variants in LZTR1 are related to an increased risk for schwannomas and autosomal recessive Noonan syndrome; however, such associations with autosomal dominant Noonan syndrome have not been observed (Piotrowski A et al. Nat Genet. 2014 Feb;46:182-7; Yamamoto GL et al. J Med Genet. 2015 Jun;52:413-21; Johnston JJ et al. Genet Med. 2018 10;20:1175-1185). Based on the supporting evidence, this variant is likely pathogenic for an increased risk of LZTR1-related schwannomatosis (SWN) and would be expected to cause autosomal recessive Noonan syndrome when present along with a second pathogenic or likely pathogenic variant on the other allele; however, the association of this alteration with autosomal dominant Noonan syndrome is unlikely.

Laboratory of Genetics, Children's Clinical University Hospital Latvia
Classification: Uncertain significance. Last evaluated: 2025-02-16. Review status: criteria provided, single submitter. Criteria: ACMG Guidelines, 2015. Collection method: clinical testing. Allele origin: germline. Affected: yes.

Labcorp Genetics (formerly Invitae), Labcorp
Classification: Pathogenic. Last evaluated: 2025-01-29. Review status: criteria provided, single submitter. Criteria: Invitae Variant Classification Sherloc (09022015). Collection method: clinical testing. Allele origin: germline.
Comment: This sequence change replaces alanine, which is neutral and non-polar, with valine, which is neutral and non-polar, at codon 465 of the LZTR1 protein (p.Ala465Val). This variant is present in population databases (rs753757778, gnomAD 0.004%). This missense change has been observed in individuals with autosomal dominant and autosomal recessive LZTR1-related conditions (PMID: 32004086, 32575496, 34958143; internal data). It has also been observed to segregate with disease in related individuals. ClinVar contains an entry for this variant (Variation ID: 623976). Invitae Evidence Modeling of protein sequence and biophysical properties (such as structural, functional, and spatial information, amino acid conservation, physicochemical variation, residue mobility, and thermodynamic stability) indicates that this missense variant is not expected to disrupt LZTR1 protein function with a negative predictive value of 80%. This variant disrupts the p.Ala465 amino acid residue in LZTR1. Other variant(s) that disrupt this residue have been observed in individuals with LZTR1-related conditions (PMID: 25335493, 28365909), which suggests that this may be a clinically significant amino acid residue. For these reasons, this variant has been classified as Pathogenic.

Mayo Clinic Laboratories, Mayo Clinic
Classification: Uncertain significance. Last evaluated: 2024-04-09. Review status: criteria provided, single submitter. Criteria: ACMG Guidelines, 2015. Collection method: clinical testing. Allele origin: germline. Observed: 1 variant allele.
Comment: BP5

GeneDx
Classification: Uncertain significance. Last evaluated: 2023-08-14. Review status: criteria provided, single submitter. Criteria: GeneDx Variant Classification Process June 2021. Collection method: clinical testing. Allele origin: germline. Affected: yes.
Comment: Observed with another LZTR1 variant on the opposite allele (in trans) in individuals with Noonan syndrome features referred for genetic testing at GeneDx and in published literature (Jenkins et al., 2020; Gabriel et al., 2022); In silico analysis supports that this missense variant has a deleterious effect on protein structure/function; This variant is associated with the following publications: (PMID: 32575496, 32004086, 34958143, 29409008)

Department of Pathology and Laboratory Medicine, Sinai Health System
Classification: Uncertain significance for Noonan syndrome 2; LZTR1-related schwannomatosis; Noonan syndrome 10. Last evaluated: 2023-06-07. Review status: criteria provided, single submitter. Criteria: ACMG Guidelines, 2015. Collection method: clinical testing. Allele origin: germline. Affected: yes.

Blueprint Genetics
Classification: Uncertain significance. Last evaluated: 2021-07-09. Review status: criteria provided, single submitter. Criteria: ACMG Guidelines, 2015. Collection method: clinical testing. Allele origin: germline.

CeGaT Center for Human Genetics Tuebingen
Classification: Uncertain significance. Last evaluated: 2018-04-01. Review status: criteria provided, single submitter. Criteria: CeGaT Center For Human Genetics Tuebingen Variant Classification Criteria Version 2. Collection method: clinical testing. Allele origin: germline. Affected: yes. Observed: 1 variant allele.

Juno Genomics, Hangzhou Juno Genomics, Inc
Classification: Uncertain significance for LZTR1-related schwannomatosis; Noonan syndrome 10; Noonan syndrome 2. Review status: criteria provided, single submitter. Criteria: ACMG Guidelines, 2015. Collection method: clinical testing. Allele origin: germline.
Comment: Absent from controls (or at extremely low frequency if recessive) in Genome Aggregation Database.;Co-segregation with disease in multiple affected family members.

Literature cited by the submitters: PubMed 32004086 (cited by 5 submitters); PubMed 34958143 (cited by 4 submitters); PubMed 32575496 (cited by 5 submitters); PubMed 25335493 (cited by 3 submitters); PubMed 29409008 (cited by 4 submitters); PubMed 28365909 (cited by 3 submitters); PubMed 35026164 (cited by Ambry Genetics).